The following is an entry in ClinVar:

NM_001363118.2(SLC52A2):c.551del (p.Pro184fs)

Gene: SLC52A2 (solute carrier family 52 member 2; plus strand). Cytogenetic location: 8q24.3.
Variant type: Deletion.
Coding change: c.551del on transcript NM_001363118.2 (MANE Select); coding-DNA position 551, one base deleted (C; older notation c.551delC).
Protein change: p.Pro184fs; shifts the reading frame from proline 184.
Molecular consequence: frameshift variant. On other transcripts: non-coding transcript variant (1), intron variant (1).
Genome position (GRCh38, 1-based): chr8:144,360,043, C deleted; the last of 6 consecutive C bases (chr8:144,360,038-144,360,043); deleting any one gives the same sequence. VCF-style (leftmost placement, unchanged base first): chr8-144360037-GC-G. GRCh37 (hg19) VCF-style: chr8-145583697-GC-G.
Other names: c.551del (NM_024531.4); c.551del, p.Pro184fs (NM_001253815.2, NM_001253816.2, NM_001363120.2 and 2 more transcripts); c.131-72del (NM_001363122.2); short protein forms P184fs.
Identifiers: ClinVar variation 473205 (VCV000473205.8), dbSNP rs1554854044, ClinGen allele CA645543021.

ClinVar aggregate classification (germline): Pathogenic (1 of 4 stars; one submission).

Conditions:
Brown-Vialetto-van Laere syndrome 2. Also called: Riboflavin transporter deficiency type 2; SPINOCEREBELLAR ATAXIA WITH BLINDNESS AND DEAFNESS 2. Identifiers: Orphanet 572543, Orphanet 97229, MedGen C3553538, MONDO:0013867, OMIM 614707.

Submission:

Labcorp Genetics (formerly Invitae), Labcorp
Classification: Pathogenic for Brown-Vialetto-van Laere syndrome 2. Last evaluated: 2022-09-30. Review status: criteria provided, single submitter. Criteria: Invitae Variant Classification Sherloc (09022015). Collection method: clinical testing. Allele origin: germline.
Comment: For these reasons, this variant has been classified as Pathogenic. ClinVar contains an entry for this variant (Variation ID: 473205). This variant has not been reported in the literature in individuals affected with SLC52A2-related conditions. This variant is not present in population databases (gnomAD no frequency). This sequence change creates a premature translational stop signal (p.Pro184Argfs*17) in the SLC52A2 gene. It is expected to result in an absent or disrupted protein product. Loss-of-function variants in SLC52A2 are known to be pathogenic (PMID: 24253200).

Literature cited by the submitters: PubMed 24253200.